The following is an entry in ClinVar:

NM_007186.6(CEP250):c.1501G>A (p.Asp501Asn)

Genes: CEP250 (centrosomal protein 250; plus strand), CEP250-AS1 (CEP250 antisense RNA 1; minus strand). Cytogenetic location: 20q11.22.
Variant type: single nucleotide variant.
Coding change: c.1501G>A on transcript NM_007186.6 (MANE Select); coding-DNA position 1501, G replaced by A.
Protein change: p.Asp501Asn; replaces aspartic acid 501 with asparagine.
Molecular consequence: missense variant. On other transcripts: 5 prime UTR variant (1).
Genome position (GRCh38, 1-based): chr20:35,473,982, G>A. VCF-style: chr20-35473982-G-A. GRCh37 (hg19) VCF-style: chr20-34061807-G-A.
Other names: c.-399G>A (NM_001318219.1); short protein forms D501N.
Identifiers: ClinVar variation 1505406 (VCV001505406.6), dbSNP rs763828103, ClinGen allele CA408762928.

ClinVar aggregate classification (germline): Uncertain significance (1 of 4 stars; one submission).

Allele frequency attached by ClinVar (database versions not stated): TOPMed 0.00001.
gnomAD v4.1: 1 of 1,608,378 alleles (0.000062%); highest among the groups gnomAD compares: Non-Finnish European, 0.000085%; no homozygotes.

Submission:

Labcorp Genetics (formerly Invitae), Labcorp
Classification: Uncertain significance. Last evaluated: 2021-11-05. Review status: criteria provided, single submitter. Criteria: Invitae Variant Classification Sherloc (09022015). Collection method: clinical testing. Allele origin: germline.
Comment: This sequence change replaces aspartic acid, which is acidic and polar, with asparagine, which is neutral and polar, at codon 501 of the CEP250 protein (p.Asp501Asn). This variant is not present in population databases (gnomAD no frequency). This variant has not been reported in the literature in individuals affected with CEP250-related conditions. Algorithms developed to predict the effect of missense changes on protein structure and function are either unavailable or do not agree on the potential impact of this missense change (SIFT: "Not Available"; PolyPhen-2: "Probably Damaging"; Align-GVGD: "Not Available"). In summary, the available evidence is currently insufficient to determine the role of this variant in disease. Therefore, it has been classified as a Variant of Uncertain Significance.